The following is an entry in ClinVar:

NM_004006.3(DMD):c.1801C>T (p.Gln601Ter)

Gene: DMD (dystrophin; minus strand). Cytogenetic location: Xp21.1.
Variant type: single nucleotide variant.
Coding change: c.1801C>T on transcript NM_004006.3 (MANE Select); coding-DNA position 1801, C replaced by T.
Protein change: p.Gln601Ter; replaces glutamine 601 with a stop codon.
Molecular consequence: nonsense.
Genome position (GRCh38, 1-based): chrX:32,573,541, G>A on the plus strand (C>T on the coding strand, the complement: DMD is on the minus strand). VCF-style: chrX-32573541-G-A. GRCh37 (hg19) VCF-style: chrX-32591658-G-A.
Other names: c.1777C>T, p.Gln593Ter (NM_000109.4); c.1789C>T, p.Gln597Ter (NM_004009.3); c.1432C>T, p.Gln478Ter (NM_004010.3); short protein forms Q478*, Q593*, Q597*, Q601*.
Identifiers: ClinVar variation 4815300 (VCV004815300.1).

ClinVar aggregate classification (germline): Likely pathogenic (1 of 4 stars; one submission).

Conditions:
Becker muscular dystrophy, Cardiomyopathy, Duchenne muscular dystrophy, Dystrophin deficiency.

Submission:

Natera, Inc.
Classification: Likely pathogenic for Becker muscular dystrophy, Cardiomyopathy, Duchenne muscular dystrophy, Dystrophin deficiency. Last evaluated: 2025-06-24. Review status: criteria provided, single submitter. Criteria: Natera Variant Classification Schema (03/2026). Collection method: clinical testing. Allele origin: germline.
Comment: The c.1801C>T variant in DMD is a nonsense variant predicted to introduce a stop codon at amino acid 601. This variant is expected to result in nonsense mediated decay, truncation, or a dysfunctional protein product. This variant is rare in the general population with a frequency below the threshold expected for the associated phenotype(s). Given the available evidence, this variant is classified as Likely Pathogenic.